The following is an entry in ClinVar:

NM_006218.4(PIK3CA):c.512T>C (p.Val171Ala)

Gene: PIK3CA (phosphatidylinositol-4,5-bisphosphate 3-kinase catalytic subunit alpha; plus strand). Cytogenetic location: 3q26.32.
Variant type: single nucleotide variant.
Coding change: c.512T>C on transcript NM_006218.4 (MANE Select); coding-DNA position 512, T replaced by C.
Protein change: p.Val171Ala; replaces valine 171 with alanine.
Molecular consequence: missense variant.
Genome position (GRCh38, 1-based): chr3:179,199,849, T>C. VCF-style: chr3-179199849-T-C. GRCh37 (hg19) VCF-style: chr3-178917637-T-C.
Other names: short protein forms V171A.
Identifiers: ClinVar variation 3717331 (VCV003717331.2).

ClinVar aggregate classification (germline): Uncertain significance (1 of 4 stars; one submission).

Conditions:
Cowden syndrome (CS). Also called: Cowden's disease; Cowden's syndrome; Cowden disease. Identifiers: Orphanet 201, MedGen C0018553, MONDO:0016063. Disease mechanism: gain of function.

Submission:

Labcorp Genetics (formerly Invitae), Labcorp
Classification: Uncertain significance for Cowden syndrome. Last evaluated: 2024-03-12. Review status: criteria provided, single submitter. Criteria: Invitae Variant Classification Sherloc (09022015). Collection method: clinical testing. Allele origin: germline.
Comment: This sequence change replaces valine, which is neutral and non-polar, with alanine, which is neutral and non-polar, at codon 171 of the PIK3CA protein (p.Val171Ala). This variant is not present in population databases (gnomAD no frequency). This variant has not been reported in the literature in individuals affected with PIK3CA-related conditions. Advanced modeling of protein sequence and biophysical properties (such as structural, functional, and spatial information, amino acid conservation, physicochemical variation, residue mobility, and thermodynamic stability) has been performed at Invitae for this missense variant, however the output from this modeling did not meet the statistical confidence thresholds required to predict the impact of this variant on PIK3CA protein function. In summary, the available evidence is currently insufficient to determine the role of this variant in disease. Therefore, it has been classified as a Variant of Uncertain Significance.